The following is an entry in ClinVar:

NM_006206.6(PDGFRA):c.2196G>A (p.Met732Ile)

Gene: PDGFRA (platelet derived growth factor receptor alpha; plus strand). Cytogenetic location: 4q12.
Variant type: single nucleotide variant.
Coding change: c.2196G>A on transcript NM_006206.6 (MANE Select); coding-DNA position 2196, G replaced by A.
Protein change: p.Met732Ile; replaces methionine 732 with isoleucine.
Molecular consequence: missense variant.
Genome position (GRCh38, 1-based): chr4:54,280,355, G>A. VCF-style: chr4-54280355-G-A. GRCh37 (hg19) VCF-style: chr4-55146522-G-A.
Other names: c.2196G>A, p.Met732Ile (NM_001347827.2, NM_001347829.2); c.2271G>A, p.Met757Ile (NM_001347828.2); c.2235G>A, p.Met745Ile (NM_001347830.2); c.2196G>A (NM_006206.4); short protein forms M732I, M745I, M757I.
Identifiers: ClinVar variation 1003019 (VCV001003019.17), dbSNP rs1724003134, ClinGen allele CA356894277.

ClinVar aggregate classification (germline): Uncertain significance. Review status: criteria provided, multiple submitters, no conflicts (2 of 4 stars). 2 submissions from 2 submitters: Uncertain significance (2). Last evaluated 2024-06-27.

Conditions:
Gastrointestinal stromal tumor. Also called: Gastrointestinal stromal tumor, somatic; Gastrointestinal stroma tumor. Identifiers: Orphanet 44890, MedGen C0238198, MeSH D046152, MONDO:0011719, OMIM 606764, HP:0100723.

Submissions (2):

GeneDx
Classification: Uncertain significance. Last evaluated: 2024-06-27. Review status: criteria provided, single submitter. Criteria: GeneDx Variant Classification Process June 2021. Collection method: clinical testing. Allele origin: germline. Affected: yes.
Comment: Not observed at significant frequency in large population cohorts (gnomAD); In silico analysis supports that this missense variant has a deleterious effect on protein structure/function; Has not been previously published as pathogenic or benign to our knowledge

Labcorp Genetics (formerly Invitae), Labcorp
Classification: Uncertain significance for Gastrointestinal stromal tumor. Last evaluated: 2020-07-22. Review status: criteria provided, single submitter. Criteria: Invitae Variant Classification Sherloc (09022015). Collection method: clinical testing. Allele origin: germline.
Comment: In summary, the available evidence is currently insufficient to determine the role of this variant in disease. Therefore, it has been classified as a Variant of Uncertain Significance. Algorithms developed to predict the effect of sequence changes on RNA splicing suggest that this variant may create or strengthen a splice site, but this prediction has not been confirmed by published transcriptional studies. Algorithms developed to predict the effect of missense changes on protein structure and function (SIFT, PolyPhen-2, Align-GVGD) all suggest that this variant is likely to be tolerated, but these predictions have not been confirmed by published functional studies and their clinical significance is uncertain. This variant has not been reported in the literature in individuals with PDGFRA-related conditions. This variant is not present in population databases (ExAC no frequency). This sequence change replaces methionine with isoleucine at codon 732 of the PDGFRA protein (p.Met732Ile). The methionine residue is highly conserved and there is a small physicochemical difference between methionine and isoleucine.